The following is an entry in ClinVar:

NM_006231.4(POLE):c.3108C>G (p.Asn1036Lys)

Gene: POLE (DNA polymerase epsilon, catalytic subunit; minus strand). Cytogenetic location: 12q24.33.
Variant type: single nucleotide variant.
Coding change: c.3108C>G on transcript NM_006231.4 (MANE Select); coding-DNA position 3108, C replaced by G.
Protein change: p.Asn1036Lys; replaces asparagine 1036 with lysine.
Molecular consequence: missense variant.
Genome position (GRCh38, 1-based): chr12:132,659,462, G>C on the plus strand (C>G on the coding strand, the complement: POLE is on the minus strand). VCF-style: chr12-132659462-G-C. GRCh37 (hg19) VCF-style: chr12-133236048-G-C.
Other names: short protein forms N1036K.
Identifiers: ClinVar variation 5027076 (VCV005027076.1).
Genomic context (GRCh38, chr12:132,659,462, plus strand): 5'-TGTGCTGATGGACGTAGACTTCTGCTCCCCGTAATCTTCCAGCTTCCGAGACATGGAACG[G>C]TTCTCAGAGATGAGCTCGAATAGCTCAGAGTCAGGCATGTTGGCTGCCTAGAGAAAGACA-3'
Protein context (NP_006222.2, residues 1026-1046): DSELFELISE[Asn1036Lys]RSMSRKLEDY

ClinVar aggregate classification (germline): Uncertain significance (1 of 4 stars; one submission).

Conditions:
Hereditary cancer-predisposing syndrome. Also called: Neoplastic Syndromes, Hereditary; Tumor predisposition; Hereditary neoplastic syndrome; Hereditary Cancer Syndrome. Identifiers: Orphanet 140162, MedGen C0027672, MeSH D009386, MONDO:0015356.

Submission:

Ambry Genetics
Classification: Uncertain significance for Hereditary cancer-predisposing syndrome. Last evaluated: 2026-07-13. Review status: criteria provided, single submitter. Criteria: Ambry Variant Classification Scheme 2023. Collection method: clinical testing. Allele origin: germline.
Comment: The p.N1036K variant (also known as c.3108C>G), located in coding exon 26 of the POLE gene, results from a C to G substitution at nucleotide position 3108. The asparagine at codon 1036 is replaced by lysine, an amino acid with similar properties. This amino acid position is conserved. In addition, this alteration is predicted to be tolerated by in silico analysis. Based on the available evidence, the clinical significance of this variant remains unclear.